The following is an entry in ClinVar:

ClinVar aggregate classification (germline): Uncertain significance (1 of 4 stars; one submission).

Allele frequency attached by ClinVar (database versions not stated): gnomAD 0.00007; ExAC 0.00011; TOPMed 0.00012; 1000 Genomes Project 30x 0.00016; 1000 Genomes Project 0.00020.
gnomAD v4.1: 51 of 1,613,296 alleles (0.0032%); highest among the groups gnomAD compares: East Asian, 0.1%; 1 homozygote.

Submission:

Labcorp Genetics (formerly Invitae), Labcorp
Classification: Uncertain significance. Last evaluated: 2025-11-14. Review status: criteria provided, single submitter. Criteria: Invitae Variant Classification Sherloc (09022015). Collection method: clinical testing. Allele origin: germline.
Comment: This sequence change replaces proline, which is neutral and non-polar, with arginine, which is basic and polar, at codon 438 of the NUP133 protein (p.Pro438Arg). This variant is present in population databases (rs202172818, gnomAD 0.2%), and has an allele count higher than expected for a pathogenic variant. This variant has not been reported in the literature in individuals affected with NUP133-related conditions. ClinVar contains an entry for this variant (Variation ID: 2201675). An algorithm developed to predict the effect of missense changes on protein structure and function (PolyPhen-2) suggests that this variant is likely to be disruptive. In summary, the available evidence is currently insufficient to determine the role of this variant in disease. Therefore, it has been classified as a Variant of Uncertain Significance.

NM_018230.3(NUP133):c.1313C>G (p.Pro438Arg)

Gene: NUP133 (nucleoporin 133; minus strand). Cytogenetic location: 1q42.13.
Variant type: single nucleotide variant.
Coding change: c.1313C>G on transcript NM_018230.3 (MANE Select); coding-DNA position 1313, C replaced by G.
Protein change: p.Pro438Arg; replaces proline 438 with arginine.
Molecular consequence: missense variant.
Genome position (GRCh38, 1-based): chr1:229,487,495, G>C on the plus strand (C>G on the coding strand, the complement: NUP133 is on the minus strand). VCF-style: chr1-229487495-G-C. GRCh37 (hg19) VCF-style: chr1-229623242-G-C.
Other names: short protein forms P438R.
Identifiers: ClinVar variation 2201675 (VCV002201675.4), dbSNP rs202172818, ClinGen allele CA1443570.
Genomic context (GRCh38, chr1:229,487,495, plus strand): 5'-CCAATCATGCTTTCTAAAACTGCTACTGTACCTTGTGCATTAAAGACAATTTTCTCCTGG[G>C]GAAGAGAAAATTTCCCAGTTCCTGTGGAGCACACATAGACAGCACTTTCGTTATACAGAT-3'
Protein context (NP_060700.2, residues 428-448): CSTGTGKFSL[Pro438Arg]QEKIVFNAQG